The following is an entry in ClinVar:

NM_176824.3(BBS7):c.1515C>T (p.Pro505=)

Gene: BBS7 (Bardet-Biedl syndrome 7; minus strand). Cytogenetic location: 4q27.
Variant type: single nucleotide variant.
Coding change: c.1515C>T on transcript NM_176824.3 (MANE Select); coding-DNA position 1515, C replaced by T.
Protein change: p.Pro505=; no amino-acid change (proline 505 retained).
Molecular consequence: synonymous variant.
Genome position (GRCh38, 1-based): chr4:121,833,392, G>A on the plus strand (C>T on the coding strand, the complement: BBS7 is on the minus strand). VCF-style: chr4-121833392-G-A. GRCh37 (hg19) VCF-style: chr4-122754547-G-A.
Other names: c.1515C>T (NM_176824.2); c.1515C>T, p.Pro505= (NM_018190.4).
Identifiers: ClinVar variation 2883130 (VCV002883130.4), dbSNP rs769973670, ClinGen allele CA3064190.

ClinVar aggregate classification (germline): Likely benign. Review status: criteria provided, multiple submitters, no conflicts (2 of 4 stars). 2 submissions from 2 submitters: Likely benign (2). Last evaluated 2025-07-22.

Conditions:
Bardet-Biedl syndrome (BBS). Identifiers: Orphanet 110, MedGen C0752166, MONDO:0015229.
BBS7-related disorder. Also called: BBS7-related condition.

Allele frequency attached by ClinVar (database versions not stated): TOPMed below 0.00001; gnomAD exomes 0.00001; ExAC 0.00002.
gnomAD v4.1: 8 of 1,613,862 alleles (0.0005%); highest among the groups gnomAD compares: Non-Finnish European, 0.00059%; no homozygotes.

Submissions (2):

PreventionGenetics, part of Exact Sciences
Classification: Likely benign for BBS7-related condition. Last evaluated: 2025-07-22. Review status: criteria provided, single submitter. Criteria: ACMG Guidelines, 2015. Collection method: clinical testing. Allele origin: germline.
Comment: This variant is classified as likely benign based on ACMG/AMP sequence variant interpretation guidelines (Richards et al. 2015 PMID: 25741868, with internal and published modifications).

Labcorp Genetics (formerly Invitae), Labcorp
Classification: Likely benign for Bardet-Biedl syndrome. Last evaluated: 2023-07-24. Review status: criteria provided, single submitter. Criteria: Invitae Variant Classification Sherloc (09022015). Collection method: clinical testing. Allele origin: germline.